The following is an entry in ClinVar:

NM_000157.4(GBA1):c.1309G>C (p.Val437Leu)

Genes: GBA1 (glucosylceramidase beta 1; minus strand), LOC106627981 (GBA recombination region; plus strand). Cytogenetic location: 1q22.
Variant type: single nucleotide variant.
Coding change: c.1309G>C on transcript NM_000157.4 (MANE Select); coding-DNA position 1309, G replaced by C.
Protein change: p.Val437Leu; replaces valine 437 with leucine.
Molecular consequence: missense variant.
Genome position (GRCh38, 1-based): chr1:155,235,760, C>G on the plus strand (G>C on the coding strand, the complement: GBA1 is on the minus strand). VCF-style: chr1-155235760-C-G. GRCh37 (hg19) VCF-style: chr1-155205551-C-G.
Other names: c.1309G>C, p.Val437Leu (NM_001005741.3, NM_001005742.3); c.1048G>C, p.Val350Leu (NM_001171811.2); c.1162G>C, p.Val388Leu (NM_001171812.2); short protein forms V350L, V388L, V437L.
Identifiers: ClinVar variation 2663252 (VCV002663252.1), dbSNP rs121908310, ClinGen allele CA342713274.

ClinVar aggregate classification (germline): Uncertain significance (1 of 4 stars; one submission).

Allele frequency attached by ClinVar (database versions not stated): gnomAD exomes below 0.00001.
gnomAD v4.1: 1 of 1,614,204 alleles (0.000062%); highest among the groups gnomAD compares: Non-Finnish European, 0.000085%; no homozygotes.

Submission:

GeneDx
Classification: Uncertain significance. Last evaluated: 2023-05-12. Review status: criteria provided, single submitter. Criteria: GeneDx Variant Classification Process June 2021. Collection method: clinical testing. Allele origin: germline. Affected: yes.
Comment: Also known as p.(V398L); Reported with an additional GBA variant on the opposite allele (in trans) in a patient with Gaucher disease type 3 disease (Seeman et al., 1996); Reported in a patient with rapid eye movement sleep behavior disorder (Gan-Or et al., 2015); In silico analysis supports that this missense variant does not alter protein structure/function; This variant is associated with the following publications: (PMID: 9215746, 29530815, 16185900, 17059888, 26401515, 8780099)